The following is an entry in ClinVar:

ClinVar aggregate classification (germline): Uncertain significance (1 of 4 stars; one submission).

Conditions:
Anophthalmia-microphthalmia syndrome. Also called: Anophthalmia/Microphthalmia; Anophthalmia - microphthalmia. Identifiers: Orphanet 98555, MedGen C5680330, MONDO:0020147.

Submission:

Labcorp Genetics (formerly Invitae), Labcorp
Classification: Uncertain significance for Anophthalmia-microphthalmia syndrome. Last evaluated: 2024-12-23. Review status: criteria provided, single submitter. Criteria: Invitae Variant Classification Sherloc (09022015). Collection method: clinical testing. Allele origin: germline.
Comment: This sequence change replaces isoleucine, which is neutral and non-polar, with phenylalanine, which is neutral and non-polar, at codon 65 of the OTX2 protein (p.Ile65Phe). This variant is not present in population databases (gnomAD no frequency). This variant has not been reported in the literature in individuals affected with OTX2-related conditions. ClinVar contains an entry for this variant (Variation ID: 2010540). An algorithm developed to predict the effect of missense changes on protein structure and function (PolyPhen-2) suggests that this variant is likely to be disruptive. In summary, the available evidence is currently insufficient to determine the role of this variant in disease. Therefore, it has been classified as a Variant of Uncertain Significance.

NM_021728.4(OTX2):c.217A>T (p.Ile73Phe)

Gene: OTX2 (orthodenticle homeobox 2; minus strand). Cytogenetic location: 14q22.3.
Variant type: single nucleotide variant.
Coding change: c.217A>T on transcript NM_021728.4 (MANE Select); coding-DNA position 217, A replaced by T.
Protein change: p.Ile73Phe; replaces isoleucine 73 with phenylalanine.
Molecular consequence: missense variant.
Genome position (GRCh38, 1-based): chr14:56,804,244, T>A on the plus strand (A>T on the coding strand, the complement: OTX2 is on the minus strand). VCF-style: chr14-56804244-T-A. GRCh37 (hg19) VCF-style: chr14-57270962-T-A.
Other names: c.193A>T, p.Ile65Phe (NM_001270523.2, NM_001270524.2, NM_172337.3); c.217A>T, p.Ile73Phe (NM_001270525.2); short protein forms I73F, I65F.
Identifiers: ClinVar variation 2010540 (VCV002010540.4), dbSNP rs2503907408, ClinGen allele CA390052362.